The following is an entry in ClinVar:

ClinVar aggregate classification (germline): Uncertain significance. Review status: criteria provided, multiple submitters, no conflicts (2 of 4 stars). 2 submissions from 2 submitters: Uncertain significance (2). Last evaluated 2025-06-23.

gnomAD v4.1: 1 of 1,212,139 alleles (0.000082%); highest among the groups gnomAD compares: African/African-American, 0.0017%; no homozygotes.

Submissions (2):

GeneDx
Classification: Uncertain significance. Last evaluated: 2025-06-23. Review status: criteria provided, single submitter. Criteria: GeneDx Variant Classification Process June 2021. Collection method: clinical testing. Allele origin: germline. Affected: yes.
Comment: In silico analysis supports that this missense variant has a deleterious effect on protein structure/function; Has not been previously published as pathogenic or benign to our knowledge

Women's Health and Genetics/Laboratory Corporation of America, LabCorp
Classification: Uncertain significance. Last evaluated: 2025-03-04. Review status: criteria provided, single submitter. Criteria: LabCorp Variant Classification Summary - May 2015. Collection method: clinical testing. Allele origin: germline.
Comment: Variant summary: NLGN4X c.426A>C (p.Gln142His) results in a non-conservative amino acid change in the encoded protein sequence. Three of five in-silico tools predict a damaging effect of the variant on protein function. The variant allele was found at a frequency of 5.5e-06 in 183482 control chromosomes. The available data on variant occurrences in the general population are insufficient to allow any conclusion about variant significance. To our knowledge, no occurrence of c.426A>C in individuals affected with NLGN4X-Related Disorders and no experimental evidence demonstrating its impact on protein function have been reported. No submitters have cited clinical-significance assessments for this variant to ClinVar. Based on the evidence outlined above, the variant was classified as uncertain significance.

NM_181332.3(NLGN4X):c.426A>C (p.Gln142His)

Gene: NLGN4X (neuroligin 4 X-linked; minus strand). Cytogenetic location: Xp22.31.
Variant type: single nucleotide variant.
Coding change: c.426A>C on transcript NM_181332.3 (MANE Select); coding-DNA position 426, A replaced by C.
Protein change: p.Gln142His; replaces glutamine 142 with histidine.
Molecular consequence: missense variant.
Genome position (GRCh38, 1-based): chrX:6,151,041, T>G on the plus strand (A>C on the coding strand, the complement: NLGN4X is on the minus strand). VCF-style: chrX-6151041-T-G. GRCh37 (hg19) VCF-style: chrX-6069082-T-G.
Other names: c.426A>C (NM_020742.2); c.426A>C, p.Gln142His (NM_001282145.2, NM_001282146.2, NM_020742.4); short protein forms Q142H.
Identifiers: ClinVar variation 3895845 (VCV003895845.2).